The following is an entry in ClinVar:

ClinVar aggregate classification (germline): Uncertain significance (1 of 4 stars; one submission).

Conditions:
Hyperkalemic periodic paralysis. Also called: Familial hyperkalemic periodic paralysis; Gamstorp disease. Identifiers: Orphanet 682, MedGen C0238357, MONDO:0008224, OMIM 170500, HP:0007215.

Submission:

Labcorp Genetics (formerly Invitae), Labcorp
Classification: Uncertain significance for Hyperkalemic periodic paralysis. Last evaluated: 2022-10-28. Review status: criteria provided, single submitter. Criteria: Invitae Variant Classification Sherloc (09022015). Collection method: clinical testing. Allele origin: germline.
Comment: This sequence change replaces glycine, which is neutral and non-polar, with glutamic acid, which is acidic and polar, at codon 1123 of the SCN4A protein (p.Gly1123Glu). This variant is not present in population databases (gnomAD no frequency). In summary, the available evidence is currently insufficient to determine the role of this variant in disease. Therefore, it has been classified as a Variant of Uncertain Significance. Algorithms developed to predict the effect of missense changes on protein structure and function (SIFT, PolyPhen-2, Align-GVGD) all suggest that this variant is likely to be disruptive. This variant has not been reported in the literature in individuals affected with SCN4A-related conditions.

NM_000334.4(SCN4A):c.3368G>A (p.Gly1123Glu)

Genes: GH-LCR (growth hormone locus control region; plus strand), SCN4A (sodium voltage-gated channel alpha subunit 4; minus strand). Cytogenetic location: 17q23.3.
Variant type: single nucleotide variant.
Coding change: c.3368G>A on transcript NM_000334.4 (MANE Select); coding-DNA position 3368, G replaced by A.
Protein change: p.Gly1123Glu; replaces glycine 1123 with glutamic acid.
Molecular consequence: missense variant.
Genome position (GRCh38, 1-based): chr17:63,947,118, C>T on the plus strand (G>A on the coding strand, the complement: SCN4A is on the minus strand). VCF-style: chr17-63947118-C-T. GRCh37 (hg19) VCF-style: chr17-62024478-C-T.
Other names: short protein forms G1123E.
Identifiers: ClinVar variation 2810383 (VCV002810383.3), dbSNP rs2509293232, ClinGen allele CA400620576.